The following is an entry in ClinVar:

NM_000166.6(GJB1):c.520C>G (p.Pro174Ala)

Gene: GJB1 (gap junction protein beta 1; plus strand). Cytogenetic location: Xq13.1.
Variant type: single nucleotide variant.
Coding change: c.520C>G on transcript NM_000166.6 (MANE Select); coding-DNA position 520, C replaced by G.
Protein change: p.Pro174Ala; replaces proline 174 with alanine.
Molecular consequence: missense variant.
Genome position (GRCh38, 1-based): chrX:71,224,227, C>G. VCF-style: chrX-71224227-C-G. GRCh37 (hg19) VCF-style: chrX-70444077-C-G.
Other names: c.520C>G, p.Pro174Ala (NM_001097642.3); short protein forms P174A.
Identifiers: ClinVar variation 1329479 (VCV001329479.3), dbSNP rs2147946493, ClinGen allele CA413502943.
Genomic context (GRCh38, chrX:71,224,227, plus strand): 5'-TATCTGCTCTACCCTGGCTATGCCATGGTGCGGCTGGTCAAGTGCGACGTCTACCCCTGC[C>G]CCAACACAGTGGACTGCTTCGTGTCCCGCCCCACCGAGAAAACCGTCTTCACCGTCTTCA-3'
Protein context (NP_000157.1, residues 164-184): RLVKCDVYPC[Pro174Ala]NTVDCFVSRP

ClinVar aggregate classification (germline): Likely pathogenic (1 of 4 stars; one submission).

Conditions:
Charcot-Marie-Tooth disease X-linked dominant 1. Also called: CHARCOT-MARIE-TOOTH NEUROPATHY, X-LINKED, 1; CHARCOT-MARIE-TOOTH PERONEAL MUSCULAR ATROPHY, X-LINKED; HEREDITARY MOTOR AND SENSORY NEUROPATHY, X-LINKED; HMSN, X-LINKED; Charcot-Marie-Tooth Neuropathy X Type 1; GJB1 Disorders: Charcot-Marie-Tooth Neuropathy (CMT1X) and Central Nervous System Phenotypes. Identifiers: Orphanet 101075, MedGen C0393808, MONDO:0010549, OMIM 302800.

Submission:

Diagnostics Services (NGS), CSIR - Centre For Cellular And Molecular Biology
Classification: Likely pathogenic for Charcot-Marie-Tooth disease X-linked dominant 1. Last evaluated: 2021-10-28. Review status: criteria provided, single submitter. Criteria: ACMG Guidelines, 2015. Collection method: clinical testing. Allele origin: unknown. Inheritance: X-linked inheritance. Affected: yes. Observed: 1 variant allele, 1 hemizygote.
Comment: The c.520C>G variant is not present in publicly available population databases like 1000 Genomes, Exome Variant Server (EVS), Exome Aggregation Consortium (ExAC) and Genome Aggregation Database (gnomAD). The variant is not present in Indian Exome Database and in our in-house exome database. The variant was not earlier reported to ClinVar, Human Genome Mutation Database (HGMD) and OMIM databases in any affected individuals. In-silico pathogenicity prediction programs like SIFT, PolyPhen-2, MutationTaster2, CADD, Varsome, InterVar etc. predicted this variant to be likely deleterious. The variant is located in a hotspot region. An alternative allele in this position (Pro174Ser) was earlier identified in a similarly affected paediatric patient with an X-linked family history [PMID:23707145] and reported to HGMD (ID: CM135846).

Literature cited by the submitters: PubMed 23707145.